The following is an entry in ClinVar:

ClinVar aggregate classification (germline): Uncertain significance. Review status: criteria provided, multiple submitters, no conflicts (2 of 4 stars). 2 submissions from 2 submitters: Uncertain significance (2). Last evaluated 2022-03-09.

Conditions:
Hypertrophic cardiomyopathy. Also called: HYPERTROPHIC MYOCARDIOPATHY. Identifiers: Orphanet 217569, MedGen C0007194, MeSH D002312, MONDO:0005045, HP:0001639.

Submissions (2):

Labcorp Genetics (formerly Invitae), Labcorp
Classification: Uncertain significance for Hypertrophic cardiomyopathy. Last evaluated: 2022-03-09. Review status: criteria provided, single submitter. Criteria: Invitae Variant Classification Sherloc (09022015). Collection method: clinical testing. Allele origin: germline.
Comment: Algorithms developed to predict the effect of missense changes on protein structure and function are either unavailable or do not agree on the potential impact of this missense change (SIFT: "Deleterious"; PolyPhen-2: "Probably Damaging"; Align-GVGD: "Class C0"). ClinVar contains an entry for this variant (Variation ID: 959410). This variant has not been reported in the literature in individuals affected with MYOM1-related conditions. This variant is not present in population databases (gnomAD no frequency). This sequence change replaces aspartic acid, which is acidic and polar, with asparagine, which is neutral and polar, at codon 1525 of the MYOM1 protein (p.Asp1525Asn). In summary, the available evidence is currently insufficient to determine the role of this variant in disease. Therefore, it has been classified as a Variant of Uncertain Significance.

Ambry Genetics
Classification: Uncertain significance. Last evaluated: 2021-12-08. Review status: criteria provided, single submitter. Criteria: Ambry Variant Classification Scheme 2023. Collection method: clinical testing. Allele origin: germline.
Comment: The p.D1525N variant (also known as c.4573G>A), located in coding exon 33 of the MYOM1 gene, results from a G to A substitution at nucleotide position 4573. The aspartic acid at codon 1525 is replaced by asparagine, an amino acid with highly similar properties. This amino acid position is conserved. In addition, this alteration is predicted to be tolerated by in silico analysis. Since supporting evidence is limited at this time, the clinical significance of this alteration remains unclear.

NM_003803.4(MYOM1):c.4573G>A (p.Asp1525Asn)

Gene: MYOM1 (myomesin 1; minus strand). Cytogenetic location: 18p11.31.
Variant type: single nucleotide variant.
Coding change: c.4573G>A on transcript NM_003803.4 (MANE Select); coding-DNA position 4573, G replaced by A.
Protein change: p.Asp1525Asn; replaces aspartic acid 1525 with asparagine.
Molecular consequence: missense variant.
Genome position (GRCh38, 1-based): chr18:3,079,254, C>T on the plus strand (G>A on the coding strand, the complement: MYOM1 is on the minus strand). VCF-style: chr18-3079254-C-T. GRCh37 (hg19) VCF-style: chr18-3079252-C-T.
Other names: c.4285G>A, p.Asp1429Asn (NM_019856.2); short protein forms D1429N, D1525N.
Identifiers: ClinVar variation 959410 (VCV000959410.11), dbSNP rs2079056471, ClinGen allele CA401708106.